The following is an entry in ClinVar:

ClinVar aggregate classification (germline): Likely benign. Review status: criteria provided, multiple submitters, no conflicts (2 of 4 stars). 3 submissions from 3 submitters: Likely benign (3). Last evaluated 2025-07-22.

Conditions:
Cardiovascular phenotype. Identifiers: MedGen CN230736.
Long QT syndrome (LQTS). Identifiers: MedGen C0023976, MeSH D008133, MONDO:0002442. Disease mechanism: loss of function. Inheritance: Various modes of inheritance.

Allele frequency attached by ClinVar (database versions not stated): ExAC 0.00002; gnomAD exomes 0.00002; gnomAD 0.00013 and 0.00014; ESP Exome Variant Server 0.00015; TOPMed 0.00016.
gnomAD v4.1: 43 of 1,614,124 alleles (0.0027%); highest among the groups gnomAD compares: African/African-American, 0.055%; no homozygotes.

Submissions (3):

Labcorp Genetics (formerly Invitae), Labcorp
Classification: Likely benign for Long QT syndrome. Last evaluated: 2025-07-22. Review status: criteria provided, single submitter. Criteria: Invitae Variant Classification Sherloc (09022015). Collection method: clinical testing. Allele origin: germline.

Ambry Genetics
Classification: Likely benign for Cardiovascular phenotype. Last evaluated: 2020-09-29. Review status: criteria provided, single submitter. Criteria: Ambry Variant Classification Scheme 2023. Collection method: clinical testing. Allele origin: germline.

GeneDx
Classification: Likely benign. Last evaluated: 2017-05-16. Review status: criteria provided, single submitter. Criteria: GeneDx Variant Classification (06012015). Collection method: clinical testing. Allele origin: germline. Affected: yes.
Comment: This variant is considered likely benign or benign based on one or more of the following criteria: it is a conservative change, it occurs at a poorly conserved position in the protein, it is predicted to be benign by multiple in silico algorithms, and/or has population frequency not consistent with disease.

NM_001148.6(ANK2):c.1077T>C (p.Asp359=)

Gene: ANK2 (ankyrin 2; plus strand). Cytogenetic location: 4q26.
Variant type: single nucleotide variant.
Coding change: c.1077T>C on transcript NM_001148.6 (MANE Select); coding-DNA position 1077, T replaced by C.
Protein change: p.Asp359=; no amino-acid change (aspartic acid 359 retained).
Molecular consequence: synonymous variant.
Genome position (GRCh38, 1-based): chr4:113,255,821, T>C. VCF-style: chr4-113255821-T-C. GRCh37 (hg19) VCF-style: chr4-114176977-T-C.
Other names: c.1014T>C, p.Asp338= (NM_001127493.3, NM_001354239.2, NM_001354243.2 and 14 more transcripts); c.1077T>C, p.Asp359= (NM_001354225.2, NM_001354228.2, NM_001354232.2 and 9 more transcripts); c.1122T>C, p.Asp374= (NM_001354230.2, NM_001354231.2, NM_001354237.2 and 5 more transcripts); c.990T>C, p.Asp330= (NM_001354249.2, NM_001354260.2, NM_001354264.2 and 16 more transcripts); c.1035T>C, p.Asp345= (NM_001354261.2, NM_001386147.1, NM_001386160.1); c.1065T>C, p.Asp355= (NM_001354269.3, NM_001386148.2, NM_001386186.2); c.1128T>C, p.Asp376= (NM_001386174.1); c.1104T>C, p.Asp368= (NM_001386175.1); and 1 more.
Identifiers: ClinVar variation 509610 (VCV000509610.10), dbSNP rs368291932, ClinGen allele CA3050185.